The following is an entry in ClinVar:

NM_002691.4(POLD1):c.2427_2445delinsTCAGCAAGGGCG (p.Ala810fs)

Gene: POLD1 (DNA polymerase delta 1, catalytic subunit; plus strand). Cytogenetic location: 19q13.33.
Variant type: Indel.
Coding change: c.2427_2445delinsTCAGCAAGGGCG on transcript NM_002691.4 (MANE Select); coding-DNA positions 2427 to 2445, CGCGGGCCTGCTCTTCTCC replaced by TCAGCAAGGGCG.
Protein change: p.Ala810fs; shifts the reading frame from alanine 810.
Molecular consequence: frameshift variant. On other transcripts: non-coding transcript variant (1).
Genome position (GRCh38, 1-based): chr19:50,414,853-50,414,871, CGCGGGCCTGCTCTTCTCC replaced by TCAGCAAGGGCG. VCF-style: chr19-50414853-CGCGGGCCTGCTCTTCTCC-TCAGCAAGGGCG. GRCh37 (hg19) VCF-style: chr19-50918110-CGCGGGCCTGCTCTTCTCC-TCAGCAAGGGCG.
Other names: c.2427_2445delinsTCAGCAAGGGCG, p.Ala810fs (NM_001256849.1); c.2505_2523delinsTCAGCAAGGGCG, p.Ala836fs (NM_001308632.1); c.2427_2445del19insTCAGCAAGGGCG (NM_002691.2); short protein forms A836fs, A810fs.
Identifiers: ClinVar variation 971990 (VCV000971990.6), dbSNP rs2039214598, ClinGen allele CA1139666563.

ClinVar aggregate classification (germline): Uncertain significance. Review status: criteria provided, multiple submitters, no conflicts (2 of 4 stars). 2 submissions from 2 submitters: Uncertain significance (2). Last evaluated 2026-03-16.

Conditions:
POLD1-related polyposis and colorectal cancer syndrome (CRCS10). Also called: Colorectal cancer 10; COLORECTAL CANCER, SUSCEPTIBILITY TO, ON CHROMOSOME 19q; Colorectal cancer, susceptibility to, 10. Identifiers: Orphanet 220460, MedGen C2675481, MONDO:0012953, OMIM 612591.
Hereditary cancer-predisposing syndrome. Also called: Tumor predisposition; Hereditary Cancer Syndrome; Hereditary neoplastic syndrome; Neoplastic Syndromes, Hereditary. Identifiers: Orphanet 140162, MedGen C0027672, MeSH D009386, MONDO:0015356.

Submissions (2):

Ambry Genetics
Classification: Uncertain significance for Hereditary cancer-predisposing syndrome. Last evaluated: 2026-03-16. Review status: criteria provided, single submitter. Criteria: Ambry Variant Classification Scheme 2023. Collection method: clinical testing. Allele origin: germline.
Comment: The c.2427_2445del19ins12 variant, located in coding exon 19 of the POLD1 gene, results from the deletion of 19 nucleotides and insertion of 12 nucleotides causing a translational frameshift with a predicted alternate stop codon (p.A810Qfs*76). This variant is expected to result in protein truncation or nonsense-mediated mRNA decay. However, loss of function has not been established as a mechanism of disease. Based on the available evidence, the clinical significance of this variant remains unclear.

Labcorp Genetics (formerly Invitae), Labcorp
Classification: Uncertain significance for POLD1-related polyposis and colorectal cancer syndrome. Last evaluated: 2025-02-25. Review status: criteria provided, single submitter. Criteria: Invitae Variant Classification Sherloc (09022015). Collection method: clinical testing. Allele origin: germline.
Comment: This sequence change creates a premature translational stop signal (p.Ala810Glnfs*76) in the POLD1 gene. Missense variants that disrupt the 3'-5' exonuclease (proof-reading) activity of the POLD1 protein are associated with PPAP (polymerase proofreading–associated polyposis) (PMID: 23263490, 23447401). However, loss-of-function variants that result in an absent or severely disrupted POLD1 protein, and missense variants outside the exonuclease domain, are unlikely to be associated with PPAP. This variant is not present in population databases (gnomAD no frequency). This variant has not been reported in the literature in individuals affected with POLD1-related conditions. In summary, the available evidence is currently insufficient to determine the role of this variant in disease. Therefore, it has been classified as a Variant of Uncertain Significance.

Literature cited by the submitters: PubMed 23263490 (cited by Labcorp Genetics (formerly Invitae), Labcorp); PubMed 23447401 (cited by Labcorp Genetics (formerly Invitae), Labcorp).